The following is an entry in ClinVar:

ClinVar aggregate classification (germline): Uncertain significance (1 of 4 stars; one submission).

Allele frequency attached by ClinVar (database versions not stated): ExAC 0.00001; gnomAD 0.00001; gnomAD exomes 0.00001.
gnomAD v4.1: 15 of 1,613,756 alleles (0.00093%); highest among the groups gnomAD compares: East Asian, 0.0022%; no homozygotes.

Submission:

Labcorp Genetics (formerly Invitae), Labcorp
Classification: Uncertain significance. Last evaluated: 2025-05-05. Review status: criteria provided, single submitter. Criteria: Invitae Variant Classification Sherloc (09022015). Collection method: clinical testing. Allele origin: germline.
Comment: This sequence change replaces serine, which is neutral and polar, with leucine, which is neutral and non-polar, at codon 869 of the CACNA1D protein (p.Ser869Leu). This variant is present in population databases (rs776897309, gnomAD 0.006%). This variant has not been reported in the literature in individuals affected with CACNA1D-related conditions. ClinVar contains an entry for this variant (Variation ID: 1417882). Invitae Evidence Modeling of protein sequence and biophysical properties (such as structural, functional, and spatial information, amino acid conservation, physicochemical variation, residue mobility, and thermodynamic stability) indicates that this missense variant is not expected to disrupt CACNA1D protein function with a negative predictive value of 80%. In summary, the available evidence is currently insufficient to determine the role of this variant in disease. Therefore, it has been classified as a Variant of Uncertain Significance.

NM_001128840.3(CACNA1D):c.2546C>T (p.Ser849Leu)

Gene: CACNA1D (calcium voltage-gated channel subunit alpha1 D; plus strand). Cytogenetic location: 3p21.1.
Variant type: single nucleotide variant.
Coding change: c.2546C>T on transcript NM_001128840.3 (MANE Select); coding-DNA position 2546, C replaced by T.
Protein change: p.Ser849Leu; replaces serine 849 with leucine.
Molecular consequence: missense variant.
Genome position (GRCh38, 1-based): chr3:53,732,887, C>T. VCF-style: chr3-53732887-C-T. GRCh37 (hg19) VCF-style: chr3-53766914-C-T.
Other names: c.2606C>T, p.Ser869Leu (NM_000720.4); c.2546C>T, p.Ser849Leu (NM_001128839.3); short protein forms S849L, S869L.
Identifiers: ClinVar variation 1417882 (VCV001417882.8), dbSNP rs776897309, ClinGen allele CA2454278.
Genomic context (GRCh38, chr3:53,732,887, plus strand): 5'-AAGAGGAAGAGGAGGAGGATGAACCTGAGGTTCCTGCCGGACCCCGTCCTCGAAGGATCT[C>T]GGAGTTGAACATGAAGGAAAAAATTGCCCCCATCCCTGAAGGGAGCGCTTTCTTCATTCT-3'
Protein context (NP_001122312.1, residues 839-859): VPAGPRPRRI[Ser849Leu]ELNMKEKIAP